The following is an entry in ClinVar:

ClinVar aggregate classification (germline): Uncertain significance (1 of 4 stars; one submission).

Conditions:
Inborn genetic diseases. Identifiers: MedGen C0950123, MeSH D030342.

Submission:

Ambry Genetics
Classification: Uncertain significance for Inborn genetic diseases. Last evaluated: 2025-11-08. Review status: criteria provided, single submitter. Criteria: Ambry Variant Classification Scheme 2023. Collection method: clinical testing. Allele origin: germline.
Comment: The p.E476K variant (also known as c.1426G>A), located in coding exon 9 of the FANCM gene, results from a G to A substitution at nucleotide position 1426. The glutamic acid at codon 476 is replaced by lysine, an amino acid with similar properties. This amino acid position is conserved. In addition, this alteration is predicted to be tolerated by in silico analysis. Based on the available evidence, the clinical significance of this variant remains unclear.

NM_020937.4(FANCM):c.1426G>A (p.Glu476Lys)

Gene: FANCM (FA complementation group M; plus strand). Cytogenetic location: 14q21.2.
Variant type: single nucleotide variant.
Coding change: c.1426G>A on transcript NM_020937.4 (MANE Select); coding-DNA position 1426, G replaced by A.
Protein change: p.Glu476Lys; replaces glutamic acid 476 with lysine.
Molecular consequence: missense variant.
Genome position (GRCh38, 1-based): chr14:45,159,125, G>A. VCF-style: chr14-45159125-G-A. GRCh37 (hg19) VCF-style: chr14-45628328-G-A.
Other names: c.1348G>A, p.Glu450Lys (NM_001308133.2); c.1426G>A, p.Glu476Lys (NM_001308134.2); short protein forms E476K, E450K.
Identifiers: ClinVar variation 4619565 (VCV004619565.1).